The following is an entry in ClinVar:

ClinVar aggregate classification (germline): Uncertain significance. Review status: criteria provided, multiple submitters, no conflicts (2 of 4 stars). 3 submissions from 3 submitters: Uncertain significance (3). Last evaluated 2025-02-18.

Conditions:
DMXL2-related disorder. Also called: DMXL2-related condition.
Inborn genetic diseases. Identifiers: MedGen C0950123, MeSH D030342.

Allele frequency attached by ClinVar (database versions not stated): ExAC 0.00003; gnomAD 0.00003; TOPMed 0.00004; gnomAD exomes 0.00006; ESP Exome Variant Server 0.00008.
gnomAD v4.1: 99 of 1,614,054 alleles (0.0061%); highest among the groups gnomAD compares: Non-Finnish European, 0.0068%; no homozygotes.

Submissions (3):

PreventionGenetics, part of Exact Sciences
Classification: Uncertain significance for DMXL2-related condition. Last evaluated: 2025-02-18. Review status: criteria provided, single submitter. Criteria: ACMG Guidelines, 2015. Collection method: clinical testing. Allele origin: germline.
Comment: The DMXL2 c.8407C>T variant is predicted to result in the amino acid substitution p.Arg2803Cys. To our knowledge, this variant has not been reported in the literature. This variant is reported in 0.0050% of alleles in individuals of East Asian descent in gnomAD. At this time, the clinical significance of this variant is uncertain due to the absence of conclusive functional and genetic evidence.

Ambry Genetics
Classification: Uncertain significance for Inborn genetic diseases. Last evaluated: 2023-04-08. Review status: criteria provided, single submitter. Criteria: Ambry Variant Classification Scheme 2023. Collection method: clinical testing. Allele origin: germline.

Labcorp Genetics (formerly Invitae), Labcorp
Classification: Uncertain significance. Last evaluated: 2022-08-22. Review status: criteria provided, single submitter. Criteria: Invitae Variant Classification Sherloc (09022015). Collection method: clinical testing. Allele origin: germline.
Comment: This sequence change replaces arginine, which is basic and polar, with cysteine, which is neutral and slightly polar, at codon 2803 of the DMXL2 protein (p.Arg2803Cys). This variant is present in population databases (rs369157969, gnomAD 0.005%). This variant has not been reported in the literature in individuals affected with DMXL2-related conditions. Algorithms developed to predict the effect of missense changes on protein structure and function are either unavailable or do not agree on the potential impact of this missense change (SIFT: "Deleterious"; PolyPhen-2: "Probably Damaging"; Align-GVGD: "Class C0"). In summary, the available evidence is currently insufficient to determine the role of this variant in disease. Therefore, it has been classified as a Variant of Uncertain Significance.

NM_001378457.1(DMXL2):c.8470C>T (p.Arg2824Cys)

Gene: DMXL2 (Dmx like 2; minus strand). Cytogenetic location: 15q21.2.
Variant type: single nucleotide variant.
Coding change: c.8470C>T on transcript NM_001378457.1 (MANE Select); coding-DNA position 8470, C replaced by T.
Protein change: p.Arg2824Cys; replaces arginine 2824 with cysteine.
Molecular consequence: missense variant. On other transcripts: non-coding transcript variant (2).
Genome position (GRCh38, 1-based): chr15:51,456,122, G>A on the plus strand (C>T on the coding strand, the complement: DMXL2 is on the minus strand). VCF-style: chr15-51456122-G-A. GRCh37 (hg19) VCF-style: chr15-51748319-G-A.
Other names: c.8407C>T, p.Arg2803Cys (NM_001174116.3); c.6496C>T, p.Arg2166Cys (NM_001174117.3); c.8467C>T, p.Arg2823Cys (NM_001378458.1); c.8182C>T, p.Arg2728Cys (NM_001378459.1); c.6385C>T, p.Arg2129Cys (NM_001378460.1); c.8404C>T, p.Arg2802Cys (NM_015263.5); c.8407C>T (NM_001174116.1); short protein forms R2129C, R2166C, R2728C, R2802C, R2803C, R2823C, R2824C.
Identifiers: ClinVar variation 2416401 (VCV002416401.7), dbSNP rs369157969, ClinGen allele CA7561014.